The following is an entry in ClinVar:

NM_002693.3(POLG):c.1712+2_1712+3dup

Gene: POLG (DNA polymerase gamma, catalytic subunit; minus strand). Cytogenetic location: 15q26.1.
Variant type: Duplication.
Coding change: c.1712+2_1712+3dup on transcript NM_002693.3 (MANE Select); the canonical splice donor site of the intron after coding-DNA position 1712 through 3 bases into the intron after coding-DNA position 1712, 2 bases duplicated (TG; older notation c.1712+2_1712+3dupTG).
Molecular consequence: splice donor variant.
Genome position (GRCh38, 1-based): chr15:89,326,609-89,326,610, CA duplicated on the plus strand (TG on the coding strand, the reverse complement: POLG is on the minus strand); duplicating any 2 consecutive bases within chr15:89,326,609-89,326,611 gives the same sequence; the c. name uses the placement nearest the transcript's 3' end. VCF-style (leftmost placement, unchanged base first): chr15-89326608-T-TCA. GRCh37 (hg19) VCF-style: chr15-89869839-T-TCA.
Other names: c.1712+2_1712+3dup (NM_001126131.2).
Identifiers: ClinVar variation 4811078 (VCV004811078.1).

ClinVar aggregate classification (germline): Uncertain significance (1 of 4 stars; one submission).

Conditions:
Progressive sclerosing poliodystrophy (MTDPS4A). Also called: ALPERS PROGRESSIVE INFANTILE POLIODYSTROPHY; NEURONAL DEGENERATION OF CHILDHOOD WITH LIVER DISEASE, PROGRESSIVE; Mitochondrial DNA Depletion Syndrome 4A; Alpers Syndrome; ALPERS DIFFUSE DEGENERATION OF CEREBRAL GRAY MATTER WITH HEPATIC CIRRHOSIS; Alpers-Huttenlocher Syndrome. Identifiers: Orphanet 726, MedGen C0205710, MONDO:0008758, OMIM 203700.

Submission:

Labcorp Genetics (formerly Invitae), Labcorp
Classification: Uncertain significance for Progressive sclerosing poliodystrophy. Last evaluated: 2025-09-15. Review status: criteria provided, single submitter. Criteria: Invitae Variant Classification Sherloc (09022015). Collection method: clinical testing. Allele origin: germline.
Comment: This sequence change falls in intron 9 of the POLG gene. It does not directly change the encoded amino acid sequence of the POLG protein. It affects a nucleotide within the consensus splice site. This variant is not present in population databases (gnomAD no frequency). This variant has not been reported in the literature in individuals affected with POLG-related conditions. Variants that disrupt the consensus splice site are a relatively common cause of aberrant splicing (PMID: 17576681, 9536098). Algorithms developed to predict the effect of sequence changes on RNA splicing suggest that this variant may disrupt the consensus splice site. In summary, the available evidence is currently insufficient to determine the role of this variant in disease. Therefore, it has been classified as a Variant of Uncertain Significance.

Literature cited by the submitters: PubMed 17576681; PubMed 9536098.